The following is an entry in ClinVar:

ClinVar aggregate classification (germline): Uncertain significance (1 of 4 stars; one submission).

Submission:

Labcorp Genetics (formerly Invitae), Labcorp
Classification: Uncertain significance. Last evaluated: 2024-09-29. Review status: criteria provided, single submitter. Criteria: Invitae Variant Classification Sherloc (09022015). Collection method: clinical testing. Allele origin: germline.
Comment: This sequence change replaces arginine, which is basic and polar, with lysine, which is basic and polar, at codon 1523 of the ALPK3 protein (p.Arg1523Lys). This variant is not present in population databases (gnomAD no frequency). This variant has not been reported in the literature in individuals affected with ALPK3-related conditions. An algorithm developed to predict the effect of missense changes on protein structure and function (PolyPhen-2) suggests that this variant is likely to be disruptive. In summary, the available evidence is currently insufficient to determine the role of this variant in disease. Therefore, it has been classified as a Variant of Uncertain Significance.

NM_020778.5(ALPK3):c.3962G>A (p.Arg1321Lys)

Gene: ALPK3 (alpha kinase 3; plus strand). Cytogenetic location: 15q25.3.
Variant type: single nucleotide variant.
Coding change: c.3962G>A on transcript NM_020778.5 (MANE Select); coding-DNA position 3962, G replaced by A.
Protein change: p.Arg1321Lys; replaces arginine 1321 with lysine.
Molecular consequence: missense variant.
Genome position (GRCh38, 1-based): chr15:84,859,387, G>A. VCF-style: chr15-84859387-G-A. GRCh37 (hg19) VCF-style: chr15-85402618-G-A.
Other names: short protein forms R1321K.
Identifiers: ClinVar variation 3684282 (VCV003684282.2).
Genomic context (GRCh38, chr15:84,859,387, plus strand): 5'-TTCTTAGTGACTCAGTCTTGACATGGGCCAAGGATCAGCGCCCAGTGGGCGAGGTGGGCA[G>A]GAGGTAAGCCAACGACACCACTGCCACCTGACCTGGCTCCCTGATTGCAGTAATACCGTT-3'
Protein context (NP_065829.4, residues 1311-1331): KDQRPVGEVG[Arg1321Lys]SAGDEGPAAL